The following is an entry in ClinVar:

NC_000012.11:g.(?_132416710)_(132416867_?)del

Gene: PUS1 (pseudouridine synthase 1; plus strand). Cytogenetic location: 12q24.33.
Variant type: Deletion.
Identifiers: ClinVar variation 1525331 (VCV001525331.6).

ClinVar aggregate classification (germline): Likely pathogenic (1 of 4 stars; one submission).

Submission:

Labcorp Genetics (formerly Invitae), Labcorp
Classification: Likely pathogenic. Last evaluated: 2021-04-10. Review status: criteria provided, single submitter. Criteria: Invitae Variant Classification Sherloc (09022015). Collection method: clinical testing. Allele origin: germline.
Comment: In summary, the currently available evidence indicates that the variant is pathogenic, but additional data are needed to prove that conclusively. Therefore, this variant has been classified as Likely Pathogenic. This variant disrupts the p.Arg144 amino acid residue in PUS1. Other variant(s) that disrupt this residue have been determined to be pathogenic (PMID: 15108122, 15971356). This suggests that this residue is clinically significant, and that variants that disrupt this residue are likely to be disease-causing. This variant has not been reported in the literature in individuals with PUS1-related conditions. This variant is a gross deletion of the genomic region encompassing exon(s) 3 of the PUS1 gene. This variant would be expected to be in-frame, preserving the integrity of the reading frame.

Literature cited by the submitters: PubMed 15108122; PubMed 15971356.